The following is an entry in ClinVar:

NM_001370259.2(MEN1):c.350del (p.Leu117fs)

Gene: MEN1 (menin 1; minus strand). Cytogenetic location: 11q13.1.
Variant type: Deletion.
Coding change: c.350del on transcript NM_001370259.2 (MANE Select); coding-DNA position 350, one base deleted (T; older notation c.350delT).
Protein change: p.Leu117fs; shifts the reading frame from leucine 117.
Molecular consequence: frameshift variant.
Genome position (GRCh38, 1-based): chr11:64,809,760, A deleted on the plus strand (T on the coding strand, the reverse complement: MEN1 is on the minus strand). VCF-style (leftmost placement, unchanged base first): chr11-64809759-CA-C. GRCh37 (hg19) VCF-style: chr11-64577231-CA-C.
Other names: c.350del, p.Leu117fs (NM_000244.4, NM_001370251.2, NM_001370260.2 and 9 more transcripts); c.350delT (NM_130804.2); short protein forms L117fs.
Identifiers: ClinVar variation 439892 (VCV000439892.17), dbSNP rs1555166387, ClinGen allele CA645509451.

ClinVar aggregate classification (germline): Pathogenic. Review status: criteria provided, multiple submitters, no conflicts (2 of 4 stars). 3 submissions from 3 submitters: Pathogenic (3). Last evaluated 2017-02-14.

Conditions:
Hereditary cancer-predisposing syndrome. Also called: Hereditary Cancer Syndrome; Hereditary neoplastic syndrome; Tumor predisposition; Neoplastic Syndromes, Hereditary. Identifiers: Orphanet 140162, MedGen C0027672, MeSH D009386, MONDO:0015356.
Multiple endocrine neoplasia, type 1 (MEN1). Also called: MEA I; MEN I; WERMER SYNDROME; Endocrine adenomatosis multiple; MEN 1. Identifiers: Orphanet 652, MedGen C0025267, MeSH D018761, MONDO:0007540, OMIM 131100.

Submissions (3):

Labcorp Genetics (formerly Invitae), Labcorp
Classification: Pathogenic for Multiple endocrine neoplasia, type 1. Last evaluated: 2017-02-14. Review status: criteria provided, single submitter. Criteria: Invitae Variant Classification Sherloc (09022015). Collection method: clinical testing. Allele origin: germline.
Comment: For these reasons, this variant has been classified as Pathogenic. While this particular variant has not been reported in the literature, loss-of-function variants in MEN1 are known to be pathogenic (PMID: 17853334, 12112656). This sequence change deletes 1 nucleotide from exon 2 of the MEN1 mRNA (c.350delT), causing a frameshift at codon 117. This creates a premature translational stop signal (p.Leu117Argfs*2) and is expected to result in an absent or disrupted protein product.

Ambry Genetics
Classification: Pathogenic for Hereditary cancer-predisposing syndrome. Last evaluated: 2016-12-23. Review status: criteria provided, single submitter. Criteria: Ambry Variant Classification Scheme 2023. Collection method: clinical testing. Allele origin: germline.
Comment: The c.350delT pathogenic mutation, located in coding exon 1 of the MEN1 gene, results from a deletion of one nucleotide at nucleotide position 350, causing a translational frameshift with a predicted alternate stop codon (p.L117Rfs*2). This alteration is expected to result in loss of function by premature protein truncation or nonsense-mediated mRNA decay. As such, this alteration is interpreted as a disease-causing mutation.

ARUP Laboratories, Molecular Genetics and Genomics, ARUP Laboratories
Classification: Pathogenic. Last evaluated: 2016-12-21. Review status: criteria provided, single submitter. Criteria: ARUP Molecular Germline Variant Investigation Process. Collection method: clinical testing. Allele origin: germline.

Literature cited by the submitters: PubMed 17853334 (cited by Labcorp Genetics (formerly Invitae), Labcorp); PubMed 12112656 (cited by Labcorp Genetics (formerly Invitae), Labcorp).